The following is an entry in ClinVar:

NM_007294.4(BRCA1):c.134+22G>A

Gene: BRCA1 (BRCA1 DNA repair associated; minus strand). Cytogenetic location: 17q21.31.
Variant type: single nucleotide variant.
Coding change: c.134+22G>A on transcript NM_007294.4 (MANE Select); 22 bases into the intron after coding-DNA position 134, G replaced by A.
Molecular consequence: intron variant.
Genome position (GRCh38, 1-based): chr17:43,115,704, C>T on the plus strand (G>A on the coding strand, the complement: BRCA1 is on the minus strand). VCF-style: chr17-43115704-C-T. GRCh37 (hg19) VCF-style: chr17-41267721-C-T.
Other names: c.-8+22G>A (NM_001407741.1, NM_001408458.1, NM_001408470.1 and 47 more transcripts); c.134+22G>A (NM_001408415.1, NM_001407634.1, NM_001407610.1 and 191 more transcripts); c.-55+22G>A (NM_001408483.1, NM_001407885.1, NM_001407886.1 and 52 more transcripts); c.-219+9573G>A (NM_001407967.1); c.-170+9573G>A (NM_001407959.1); c.-7-9171G>A (NM_001407931.1, NM_001407747.1, NM_001408511.1 and 2 more transcripts); c.-170+22G>A (NM_001407962.1, NM_001408512.1, NM_001408510.1 and 1 more transcripts); c.-124+22G>A (NM_001407746.1, NM_001408468.1, NM_001407842.1 and 13 more transcripts); and 10 more.
Identifiers: ClinVar variation 865174 (VCV000865174.3), dbSNP rs2055237368, ClinGen allele CA916080940.

Conditions:
Breast-ovarian cancer, familial, susceptibility to, 1 (BROVCA1). Also called: BRCA1 Hereditary Breast and Ovarian Cancer; OVARIAN CANCER, SUSCEPTIBILITY TO. Identifiers: Orphanet 145, MedGen C2676676, MONDO:0011450, OMIM 604370. Disease mechanism: loss of function.

Submission:

Brotman Baty Institute, University of Washington
No classification provided (evidence only). Condition: Breast-ovarian cancer, familial 1. Review status: no classification provided. Collection method: in vitro. Allele origin: not applicable. Functional consequence: functionally_normal.
ClinVar note: "not provided" was previously submitted as the classification for the variant. However, the classification appeared to be based only on an observation of functional data so it was converted to no classification on 2025-07-30.